The following is an entry in ClinVar:

NM_001365276.2(TNXB):c.9812C>T (p.Ala3271Val)

Gene: TNXB (tenascin XB; minus strand). Cytogenetic location: 6p21.33.
Variant type: single nucleotide variant.
Coding change: c.9812C>T on transcript NM_001365276.2 (MANE Select); coding-DNA position 9812, C replaced by T.
Protein change: p.Ala3271Val; replaces alanine 3271 with valine.
Molecular consequence: missense variant.
Genome position (GRCh38, 1-based): chr6:32,048,596, G>A on the plus strand (C>T on the coding strand, the complement: TNXB is on the minus strand). VCF-style: chr6-32048596-G-A. GRCh37 (hg19) VCF-style: chr6-32016373-G-A.
Other names: p.Ala3269Val; c.9806C>T, p.Ala3269Val (NM_019105.8); short protein forms A3269V, A3271V.
Identifiers: ClinVar variation 985744 (VCV000985744.6), dbSNP rs2856444, ClinGen allele CA3733384.

ClinVar aggregate classification (germline): Uncertain significance. Review status: criteria provided, multiple submitters, no conflicts (2 of 4 stars). 2 submissions from 2 submitters: Uncertain significance (2). Last evaluated 2025-04-20.

Conditions:
Cardiovascular phenotype. Identifiers: MedGen CN230736.

Allele frequency attached by ClinVar (database versions not stated): gnomAD 0.00001; TOPMed 0.00001; ESP Exome Variant Server 0.00008; ExAC 0.00001.
gnomAD v4.1: 13 of 1,533,698 alleles (0.00085%); highest among the groups gnomAD compares: South Asian, 0.0025%; no homozygotes.

Submissions (2):

Ambry Genetics
Classification: Uncertain significance for Cardiovascular phenotype. Last evaluated: 2025-04-20. Review status: criteria provided, single submitter. Criteria: Ambry Variant Classification Scheme 2023. Collection method: clinical testing. Allele origin: germline.
Comment: The p.A3269V variant (also known as c.9806C>T), located in coding exon 28 of the TNXB gene, results from a C to T substitution at nucleotide position 9806. The alanine at codon 3269 is replaced by valine, an amino acid with similar properties. This amino acid position is not well conserved in available vertebrate species, and valine is the reference amino acid in other vertebrate species. In addition, this alteration is predicted to be tolerated by in silico analysis. Since supporting evidence is limited at this time, the clinical significance of this alteration remains unclear.

Mayo Clinic Laboratories, Mayo Clinic
Classification: Uncertain significance. Last evaluated: 2025-03-20. Review status: criteria provided, single submitter. Criteria: ACMG Guidelines, 2015. Collection method: clinical testing. Allele origin: germline. Observed: 1 variant allele.
Comment: BP4_moderate